The following is an entry in ClinVar:

ClinVar aggregate classification (germline): Uncertain significance (1 of 4 stars; one submission).

Submission:

Labcorp Genetics (formerly Invitae), Labcorp
Classification: Uncertain significance. Last evaluated: 2021-08-12. Review status: criteria provided, single submitter. Criteria: Invitae Variant Classification Sherloc (09022015). Collection method: clinical testing. Allele origin: germline.
Comment: This variant is a gross deletion of the genomic region encompassing exon(s) 7 of the ABCA4 gene. This variant would be expected to be in-frame, preserving the integrity of the reading frame. This variant has not been reported in the literature in individuals affected with ABCA4-related conditions. Experimental studies and prediction algorithms are not available or were not evaluated, and the functional significance of this variant is currently unknown. This variant disrupts a region of the ABCA4 protein in which other variant(s) (p.Leu257Arg) have been observed in individuals with ABCA4-related conditions (PMID: 21911583). This suggests that this is a clinically significant region of the protein, and that variants that disrupt it are likely to be disease-causing. In summary, the available evidence is currently insufficient to determine the role of this variant in disease. Therefore, it has been classified as a Variant of Uncertain Significance.

Literature cited by the submitters: PubMed 21911583.

NC_000001.10:g.(?_94548888)_(94549017_?)del

Gene: ABCA4 (ATP binding cassette subfamily A member 4; minus strand). Cytogenetic location: 1p22.1.
Variant type: Deletion.
Identifiers: ClinVar variation 1510608 (VCV001510608.5).